The following is an entry in ClinVar:

ClinVar aggregate classification (germline): Pathogenic. Review status: criteria provided, single submitter (1 of 4 stars). 2 submissions from 2 submitters: Pathogenic (1). 1 of the submissions does not count toward it. Last evaluated 2026-01-26.

Conditions:
Cutis laxa with osteodystrophy (ARCL2A). Also called: CUTIS LAXA WITH CONGENITAL DISORDER OF GLYCOSYLATION; Autosomal recessive cutis laxa type 2A; Debré-Type Cutis Laxa; CUTIS LAXA, AUTOSOMAL RECESSIVE, TYPE IIA; CUTIS LAXA WITH BONE DYSTROPHY; CUTIS LAXA WITH GROWTH AND DEVELOPMENTAL DELAY. Identifiers: Orphanet 357058, MedGen C0268355, MONDO:0018163, OMIM 219200. Disease mechanism: loss of function.
ALG9 congenital disorder of glycosylation (CDG1L). Also called: CONGENITAL DISORDER OF GLYCOSYLATION, TYPE Il; ALG9-CDG; CDG Il. Identifiers: Orphanet 79328, MedGen C2931006, MONDO:0012117, OMIM 608776.

Allele frequency attached by ClinVar (database versions not stated): gnomAD exomes below 0.00001; TOPMed below 0.00001.
gnomAD v4.1: 2 of 1,614,156 alleles (0.00012%); highest among the groups gnomAD compares: Non-Finnish European, 0.00017%; no homozygotes.

Submissions (2):

Labcorp Genetics (formerly Invitae), Labcorp
Classification: Pathogenic for ALG9 congenital disorder of glycosylation. Last evaluated: 2026-01-26. Review status: criteria provided, single submitter. Criteria: Invitae Variant Classification Sherloc (09022015). Collection method: clinical testing. Allele origin: germline.
Comment: This sequence change creates a premature translational stop signal (p.Glu442*) in the ATP6V0A2 gene. It is expected to result in an absent or disrupted protein product. Loss-of-function variants in ATP6V0A2 are known to be pathogenic (PMID: 18157129, 19321599). This variant is present in population databases (rs80356755, gnomAD 0.0009%). This premature translational stop signal has been observed in individual(s) with cutis laxa (PMID: 18157129, 24478233). ClinVar contains an entry for this variant (Variation ID: 21494). Algorithms developed to predict the effect of sequence changes on RNA splicing suggest that this variant may disrupt the consensus splice site. For these reasons, this variant has been classified as Pathogenic.

GeneReviews
No classification provided. Condition: Cutis laxa with osteodystrophy. Review status: no classification provided. Collection method: literature only. Allele origin: unknown. Not counted in ClinVar's aggregate classification.

Literature cited by the submitters: PubMed 18157129 (cited by Labcorp Genetics (formerly Invitae), Labcorp and GeneReviews); PubMed 19321599 (cited by Labcorp Genetics (formerly Invitae), Labcorp); PubMed 24478233 (cited by Labcorp Genetics (formerly Invitae), Labcorp); PubMed 20301755 (cited by GeneReviews); NCBI Bookshelf NBK5200 (cited by GeneReviews).

NM_012463.4(ATP6V0A2):c.1324G>T (p.Glu442Ter)

Gene: ATP6V0A2 (ATPase H+ transporting V0 subunit a2; plus strand). Cytogenetic location: 12q24.31.
Variant type: single nucleotide variant.
Coding change: c.1324G>T on transcript NM_012463.4 (MANE Select); coding-DNA position 1324, G replaced by T.
Protein change: p.Glu442Ter; replaces glutamic acid 442 with a stop codon.
Molecular consequence: nonsense.
Genome position (GRCh38, 1-based): chr12:123,744,335, G>T. VCF-style: chr12-123744335-G-T. GRCh37 (hg19) VCF-style: chr12-124228882-G-T.
Other names: short protein forms E442*.
Identifiers: ClinVar variation 21494 (VCV000021494.4), dbSNP rs80356755, ClinGen allele CA342130.